The following is an entry in ClinVar:

NM_007212.4(RNF2):c.989C>T (p.Ala330Val)

Gene: RNF2 (ring finger protein 2; plus strand). Cytogenetic location: 1q25.3.
Variant type: single nucleotide variant.
Coding change: c.989C>T on transcript NM_007212.4 (MANE Select); coding-DNA position 989, C replaced by T.
Protein change: p.Ala330Val; replaces alanine 330 with valine.
Molecular consequence: missense variant.
Genome position (GRCh38, 1-based): chr1:185,100,279, C>T. VCF-style: chr1-185100279-C-T. GRCh37 (hg19) VCF-style: chr1-185069411-C-T.
Other names: short protein forms A330V.
Identifiers: ClinVar variation 3339946 (VCV003339946.1).

ClinVar aggregate classification (germline): Uncertain significance (1 of 4 stars; one submission).

gnomAD v4.1: 4 of 1,611,492 alleles (0.00025%); highest among the groups gnomAD compares: Non-Finnish European, 0.00034%; no homozygotes.

Submission:

Women's Health and Genetics/Laboratory Corporation of America, LabCorp
Classification: Uncertain significance. Last evaluated: 2024-06-20. Review status: criteria provided, single submitter. Criteria: LabCorp Variant Classification Summary - May 2015. Collection method: clinical testing. Allele origin: germline.
Comment: Variant summary: RNF2 c.989C>T (p.Ala330Val) results in a non-conservative amino acid change located in the RAWUL domain (IPR032443) of the encoded protein sequence. Four of five in-silico tools predict a damaging effect of the variant on protein function. The variant was absent in 248702 control chromosomes. The available data on variant occurrences in the general population are insufficient to allow any conclusion about variant significance. To our knowledge, no occurrence of c.989C>T in individuals affected with Luo-Schoch Syndrome and no experimental evidence demonstrating its impact on protein function have been reported. No submitters have cited clinical-significance assessments for this variant to ClinVar. Based on the evidence outlined above, the variant was classified as uncertain significance.